The following is an entry in ClinVar:

ClinVar aggregate classification (germline): Benign. Review status: criteria provided, multiple submitters, no conflicts (2 of 4 stars). 2 submissions from 2 submitters: Benign (2). Last evaluated 2018-01-12.

Conditions:
Cataract 14 multiple types. Also called: CATARACT 14, ZONULAR PULVERULENT; CATARACT 14, NUCLEAR PULVERULENT; CATARACT 14, NUCLEAR PULVERULENT AND POSTERIOR POLAR; CATARACT 14, NUCLEAR CORALLIFORM; CATARACT 14, EMBRYONAL NUCLEAR; CATARACT 14, COPPOCK-LIKE. Identifiers: Orphanet 91492, MedGen C1866078, MONDO:0011162, OMIM 601885.

Allele frequency attached by ClinVar (database versions not stated): 1000 Genomes Project 30x 0.97517; 1000 Genomes Project 0.97923; TOPMed 0.97924; gnomAD 0.98063 and 0.98192; gnomAD exomes 1.00000.
gnomAD v4.1: 149,566 of 152,300 alleles (98%); highest among the groups gnomAD compares: East Asian, 100%; 73,521 homozygotes.

Submissions (2):

Illumina Laboratory Services, Illumina
Classification: Benign for Cataract 14 multiple types. Last evaluated: 2018-01-12. Review status: criteria provided, single submitter. Criteria: ICSL Variant Classification Criteria 13 December 2019. Collection method: clinical testing. Allele origin: germline.
Comment: This variant was observed in the ICSL laboratory as part of a predisposition screen in an ostensibly healthy population. It had not been previously curated by ICSL or reported in the Human Gene Mutation Database (HGMD: prior to June 1st, 2018), and was therefore a candidate for classification through an automated scoring system. Utilizing variant allele frequency, disease prevalence and penetrance estimates, and inheritance mode, an automated score was calculated to assess if this variant is too frequent to cause the disease. Based on the score and internal cut-off values, a variant classified as benign is not then subjected to further curation. The score for this variant resulted in a classification of benign for this disease.

Breakthrough Genomics
Classification: Benign. Review status: criteria provided, single submitter. Criteria: ACMG Guidelines, 2015. Collection method: not provided. Allele origin: germline. Inheritance: Autosomal dominant inheritance. Affected: yes.

NM_021954.4(GJA3):c.*2426C>A

Gene: GJA3 (gap junction protein alpha 3; minus strand). Cytogenetic location: 13q12.11.
Variant type: single nucleotide variant.
Coding change: c.*2426C>A on transcript NM_021954.4 (MANE Select); 2426 bases downstream of the stop codon, C replaced by A.
Molecular consequence: 3 prime UTR variant.
Genome position (GRCh38, 1-based): chr13:20,139,555, G>T on the plus strand (C>A on the coding strand, the complement: GJA3 is on the minus strand). VCF-style: chr13-20139555-G-T. GRCh37 (hg19) VCF-style: chr13-20713694-G-T.
Identifiers: ClinVar variation 311298 (VCV000311298.6), dbSNP rs6490521, ClinGen allele CA10639075.